The following is an entry in ClinVar:

NM_031935.3(HMCN1):c.6896C>T (p.Pro2299Leu)

Gene: HMCN1 (hemicentin 1; plus strand). Cytogenetic location: 1q31.1.
Variant type: single nucleotide variant.
Coding change: c.6896C>T on transcript NM_031935.3 (MANE Select); coding-DNA position 6896, C replaced by T.
Protein change: p.Pro2299Leu; replaces proline 2299 with leucine.
Molecular consequence: missense variant.
Genome position (GRCh38, 1-based): chr1:186,055,426, C>T. VCF-style: chr1-186055426-C-T. GRCh37 (hg19) VCF-style: chr1-186024558-C-T.
Other names: short protein forms P2299L.
Identifiers: ClinVar variation 3677966 (VCV003677966.2).
Genomic context (GRCh38, chr1:186,055,426, plus strand): 5'-TTCTTTTTATCTTCCTCCAACCCTCAGTTAGACCAACCATAACCAACAGTGGCAGCCACC[C>T]TACTGAAATTATTGTGACCCGAGGGAAGAGTATCTCCTTGGAGTGTGAGGTGCAGGGTAT-3'
Protein context (NP_114141.2, residues 2289-2309): RPTITNSGSH[Pro2299Leu]TEIIVTRGKS

ClinVar aggregate classification (germline): Uncertain significance (1 of 4 stars; one submission).

gnomAD v4.1: 3 of 1,612,646 alleles (0.00019%); highest among the groups gnomAD compares: Non-Finnish European, 0.00025%; no homozygotes.

Submission:

Labcorp Genetics (formerly Invitae), Labcorp
Classification: Uncertain significance. Last evaluated: 2025-01-13. Review status: criteria provided, single submitter. Criteria: Invitae Variant Classification Sherloc (09022015). Collection method: clinical testing. Allele origin: germline.
Comment: This sequence change replaces proline, which is neutral and non-polar, with leucine, which is neutral and non-polar, at codon 2299 of the HMCN1 protein (p.Pro2299Leu). This variant is present in population databases (no rsID available, gnomAD 0.0009%). This variant has not been reported in the literature in individuals affected with HMCN1-related conditions. An algorithm developed to predict the effect of missense changes on protein structure and function (PolyPhen-2) suggests that this variant is likely to be disruptive. In summary, the available evidence is currently insufficient to determine the role of this variant in disease. Therefore, it has been classified as a Variant of Uncertain Significance.